The following is an entry in ClinVar:

ClinVar aggregate classification (germline): Uncertain significance (1 of 4 stars; one submission).

Conditions:
Hypertrophic cardiomyopathy. Also called: HYPERTROPHIC MYOCARDIOPATHY. Identifiers: Orphanet 217569, MedGen C0007194, MeSH D002312, MONDO:0005045, HP:0001639.

gnomAD v4.1: 1 of 1,602,054 alleles (0.000062%); no homozygotes.

Submission:

Labcorp Genetics (formerly Invitae), Labcorp
Classification: Uncertain significance for Hypertrophic cardiomyopathy. Last evaluated: 2024-11-04. Review status: criteria provided, single submitter. Criteria: Invitae Variant Classification Sherloc (09022015). Collection method: clinical testing. Allele origin: germline.
Comment: This sequence change replaces glycine, which is neutral and non-polar, with aspartic acid, which is acidic and polar, at codon 61 of the MYBPC3 protein (p.Gly61Asp). This variant is not present in population databases (gnomAD no frequency). This variant has not been reported in the literature in individuals affected with MYBPC3-related conditions. An algorithm developed to predict the effect of missense changes on protein structure and function (PolyPhen-2) suggests that this variant is likely to be disruptive. In summary, the available evidence is currently insufficient to determine the role of this variant in disease. Therefore, it has been classified as a Variant of Uncertain Significance.

NM_000256.3(MYBPC3):c.182G>A (p.Gly61Asp)

Gene: MYBPC3 (myosin binding protein C3; minus strand). Cytogenetic location: 11p11.2.
Variant type: single nucleotide variant.
Coding change: c.182G>A on transcript NM_000256.3 (MANE Select); coding-DNA position 182, G replaced by A.
Protein change: p.Gly61Asp; replaces glycine 61 with aspartic acid.
Molecular consequence: missense variant.
Genome position (GRCh38, 1-based): chr11:47,351,349, C>T on the plus strand (G>A on the coding strand, the complement: MYBPC3 is on the minus strand). VCF-style: chr11-47351349-C-T. GRCh37 (hg19) VCF-style: chr11-47372900-C-T.
Other names: short protein forms G61D.
Identifiers: ClinVar variation 3721183 (VCV003721183.2).
Genomic context (GRCh38, chr11:47,351,349, plus strand): 5'-ACTGCGTAAGATCCCTGGTCGGCAGGGCCCACTTCCCGCACTGTCAGCGTATGCCGTGTG[C>T]CCTCTGTGGCCAGGCCGTACTTGTTGCTGGCGCTGATGTCACTGCCTCCGCGCTGCCAGC-3'
Protein context (NP_000247.2, residues 51-71): ASNKYGLATE[Gly61Asp]TRHTLTVREV